The following is an entry in ClinVar:

ClinVar aggregate classification (germline): Pathogenic (1 of 4 stars; one submission).

Submission:

Quest Diagnostics Nichols Institute San Juan Capistrano
Classification: Pathogenic. Last evaluated: 2025-06-16. Review status: criteria provided, single submitter. Criteria: ACMG/ClinGen CNV Guidelines, 2019. Collection method: clinical testing. Allele origin: unknown.
Comment: This deletion involves at least five protein-coding genes, including STS (OMIM 300747), and overlaps the Xp22.31 recurrent region. Hemizygous deletions of the Xp22.31 recurrent region have been reported in individuals with variable neurodevelopmental disorders (Guo 2017, Isrie 2012, Labonne 2020, Willemsen 2012, Wu 2023). Haploinsufficiency of STS is associated with X-linked ichthyosis (XLI; OMIM 308100; ISCA-37417, Gubb 2020, Kent 2008, Myers 2020). There are no similar copy number losses of this region in the general populations of the Database of Genomic Variants. Thus, based on current medical literature and gene content, this copy number variant (CNV) is classified as pathogenic; however, presentation in females is likely dependent upon X-inactivation patterns. References: Gubb et al., Hum Mol Genet. 2020 Oct 10;29(17):2872-2881. PMID: 32766777 Guo et al., Sci Rep. 2017 Mar 10:7:44155. PMID: 28281572 Kent et al., J Med Genet. 2008 Aug;45(8):519-24. PMID: 18413370 Isrie et al., Eur J Med Genet. 2012 Nov;55(11):577-85. PMID: 22659343 Labonne et al., J Clin Med. 2020 Jan 19;9(1):274. PMID: 31963867 Myers et al., Pediatr Neurol. 2020 Jul;108:113-116. PMID: 32299744 Willemsen et al., Eur J Med Genet. 2012 Nov;55(11):586-98. PMID: 22796527 Wu et al., Front Genet. 2023 Jun 6:14:1025390. PMID: 37347056

GRCh37/hg19 Xp22.31(chrX:6449236-8135644)x0

Genes: PNPLA4 (patatin like domain 4, phospholipase and triacylglycerol lipase; minus strand), PUDP (pseudouridine 5'-phosphatase; minus strand), STS (steroid sulfatase; plus strand), VCX (variable charge X-linked; plus strand), VCX3A (variable charge X-linked 3A; minus strand). Cytogenetic location: Xp22.31.
Variant type: copy number loss.
Change: copy number 0 of chrX:6,449,236-8,135,644 (1.69 Mb, GRCh37 coordinates, 1-based), cytogenetic band Xp22.31.
Identifiers: ClinVar variation 564757 (VCV000564757.5).